The following is an entry in ClinVar:

ClinVar aggregate classification (germline): Uncertain significance (1 of 4 stars; one submission).

Submission:

Labcorp Genetics (formerly Invitae), Labcorp
Classification: Uncertain significance. Last evaluated: 2022-05-27. Review status: criteria provided, single submitter. Criteria: Invitae Variant Classification Sherloc (09022015). Collection method: clinical testing. Allele origin: germline.
Comment: In summary, the available evidence is currently insufficient to determine the role of this variant in disease. Therefore, it has been classified as a Variant of Uncertain Significance. Algorithms developed to predict the effect of missense changes on protein structure and function are either unavailable or do not agree on the potential impact of this missense change (SIFT: "Not Available"; PolyPhen-2: "Benign"; Align-GVGD: "Not Available"). This variant has not been reported in the literature in individuals affected with SLC9A3-related conditions. This variant is not present in population databases (gnomAD no frequency). This sequence change replaces valine, which is neutral and non-polar, with phenylalanine, which is neutral and non-polar, at codon 518 of the SLC9A3 protein (p.Val518Phe).

NM_004174.4(SLC9A3):c.1552G>T (p.Val518Phe)

Genes: SLC9A3 (solute carrier family 9 member A3), SLC9A3-AS1 (SLC9A3 antisense RNA 1; plus strand). Cytogenetic location: 5p15.33.
Variant type: single nucleotide variant.
Coding change: c.1552G>T on transcript NM_004174.4 (MANE Select); coding-DNA position 1552, G replaced by T.
Protein change: p.Val518Phe; replaces valine 518 with phenylalanine.
Molecular consequence: missense variant. On other transcripts: non-coding transcript variant (1).
Genome position (GRCh38, 1-based): chr5:479,931, C>A on the plus strand (G>T on the coding strand, the complement: SLC9A3 is on the minus strand). VCF-style: chr5-479931-C-A. GRCh37 (hg19) VCF-style: chr5-480046-C-A.
Other names: c.1525G>T, p.Val509Phe (NM_001284351.3); short protein forms V509F, V518F.
Identifiers: ClinVar variation 1975359 (VCV001975359.5), dbSNP rs761745958, ClinGen allele CA359026518.